The following is an entry in ClinVar:

NM_001134407.3(GRIN2A):c.2752C>T (p.Pro918Ser)

Gene: GRIN2A (glutamate ionotropic receptor NMDA type subunit 2A; minus strand). Cytogenetic location: 16p13.2.
Variant type: single nucleotide variant.
Coding change: c.2752C>T on transcript NM_001134407.3 (MANE Select); coding-DNA position 2752, C replaced by T.
Protein change: p.Pro918Ser; replaces proline 918 with serine.
Molecular consequence: missense variant.
Genome position (GRCh38, 1-based): chr16:9,764,792, G>A on the plus strand (C>T on the coding strand, the complement: GRIN2A is on the minus strand). VCF-style: chr16-9764792-G-A. GRCh37 (hg19) VCF-style: chr16-9858649-G-A.
Other names: c.2752C>T, p.Pro918Ser (NM_000833.5, NM_001134408.2); short protein forms P918S.
Identifiers: ClinVar variation 590070 (VCV000590070.14), dbSNP rs778940856, ClinGen allele CA7896428.

ClinVar aggregate classification (germline): Conflicting classifications of pathogenicity. Review status: criteria provided, conflicting classifications (1 of 4 stars). 2 submissions from 2 submitters: Uncertain significance (1); Likely benign (1). Last evaluated 2023-11-27.

Conditions:
Inborn genetic diseases. Identifiers: MedGen C0950123, MeSH D030342.
Landau-Kleffner syndrome (FESD). Also called: EPILEPSY, FOCAL, WITH SPEECH DISORDER AND WITH OR WITHOUT MENTAL RETARDATION; APHASIA, ACQUIRED, WITH EPILEPSY. Identifiers: Orphanet 1945, Orphanet 725, Orphanet 98818, MedGen C0282512, MONDO:0009509, OMIM 245570.

Allele frequency attached by ClinVar (database versions not stated): gnomAD exomes 0.00001; TOPMed 0.00002; ExAC 0.00003.
gnomAD v4.1: 3 of 1,614,198 alleles (0.00019%); highest among the groups gnomAD compares: Admixed American, 0.005%; no homozygotes.

Submissions (2):

Labcorp Genetics (formerly Invitae), Labcorp
Classification: Likely benign for Landau-Kleffner syndrome. Last evaluated: 2023-11-27. Review status: criteria provided, single submitter. Criteria: Invitae Variant Classification Sherloc (09022015). Collection method: clinical testing. Allele origin: germline.

Ambry Genetics
Classification: Uncertain significance for Inborn genetic diseases. Last evaluated: 2018-02-12. Review status: criteria provided, single submitter. Criteria: Ambry Variant Classification Scheme 2023. Collection method: clinical testing. Allele origin: germline.
Comment: The p.P918S variant (also known as c.2752C>T), located in coding exon 12 of the GRIN2A gene, results from a C to T substitution at nucleotide position 2752. The proline at codon 918 is replaced by serine, an amino acid with similar properties. This amino acid position is highly conserved in available vertebrate species. In addition, the in silico prediction for this alteration is inconclusive. Since supporting evidence is limited at this time, the clinical significance of this variant remains unclear.